The following is an entry in ClinVar:

NM_005401.5(PTPN14):c.2390C>T (p.Pro797Leu)

Gene: PTPN14 (protein tyrosine phosphatase non-receptor type 14; minus strand). Cytogenetic location: 1q32.3.
Variant type: single nucleotide variant.
Coding change: c.2390C>T on transcript NM_005401.5 (MANE Select); coding-DNA position 2390, C replaced by T.
Protein change: p.Pro797Leu; replaces proline 797 with leucine.
Molecular consequence: missense variant.
Genome position (GRCh38, 1-based): chr1:214,383,465, G>A on the plus strand (C>T on the coding strand, the complement: PTPN14 is on the minus strand). VCF-style: chr1-214383465-G-A. GRCh37 (hg19) VCF-style: chr1-214556808-G-A.
Other names: short protein forms P797L.
Identifiers: ClinVar variation 4983177 (VCV004983177.1).

ClinVar aggregate classification (germline): Uncertain significance (1 of 4 stars; one submission).

Conditions:
PTPN14-related disorder. Also called: PTPN14-related condition.

gnomAD v4.1: 656 of 1,614,120 alleles (0.041%); highest among the groups gnomAD compares: Non-Finnish European, 0.051%; no homozygotes.

Submission:

PreventionGenetics, part of Exact Sciences
Classification: Uncertain significance for PTPN14-related condition. Last evaluated: 2025-09-26. Review status: criteria provided, single submitter. Criteria: ACMG Guidelines, 2015. Collection method: clinical testing. Allele origin: germline.
Comment: The PTPN14 c.2390C>T variant is predicted to result in the amino acid substitution p.Pro797Leu. To our knowledge, this variant has not been reported in the literature. This variant is reported in 0.032% of alleles in individuals of European (Non-Finnish) descent in gnomAD. At this time, the clinical significance of this variant is uncertain due to the absence of conclusive functional and genetic evidence.